The following is an entry in ClinVar:

NM_000069.3(CACNA1S):c.3493A>T (p.Met1165Leu)

Gene: CACNA1S (calcium voltage-gated channel subunit alpha1 S; minus strand). Cytogenetic location: 1q32.1.
Variant type: single nucleotide variant.
Coding change: c.3493A>T on transcript NM_000069.3 (MANE Select); coding-DNA position 3493, A replaced by T.
Protein change: p.Met1165Leu; replaces methionine 1165 with leucine.
Molecular consequence: missense variant.
Genome position (GRCh38, 1-based): chr1:201,059,221, T>A on the plus strand (A>T on the coding strand, the complement: CACNA1S is on the minus strand). VCF-style: chr1-201059221-T-A. GRCh37 (hg19) VCF-style: chr1-201028349-T-A.
Other names: short protein forms M1165L.
Identifiers: ClinVar variation 1908965 (VCV001908965.5), dbSNP rs2464489690, ClinGen allele CA344158316.

ClinVar aggregate classification (germline): Uncertain significance (1 of 4 stars; one submission).

Conditions:
Hypokalemic periodic paralysis, type 1. Also called: Hypokalemic Periodic Paralysis Type 1 (AD); HypoPP. Identifiers: Orphanet 681, MedGen C3714580, MONDO:0042979, OMIM 170400.
Malignant hyperthermia, susceptibility to, 5 (MHS5). Also called: CACNA1S-Related Malignant Hyperthermia Susceptibility. Identifiers: Orphanet 423, MedGen C1866077, MONDO:0011163, OMIM 601887.

Submission:

Labcorp Genetics (formerly Invitae), Labcorp
Classification: Uncertain significance for Hypokalemic periodic paralysis, type 1; Malignant hyperthermia, susceptibility to, 5. Last evaluated: 2022-04-11. Review status: criteria provided, single submitter. Criteria: Invitae Variant Classification Sherloc (09022015). Collection method: clinical testing. Allele origin: germline.
Comment: This variant has not been reported in the literature in individuals affected with CACNA1S-related conditions. In summary, the available evidence is currently insufficient to determine the role of this variant in disease. Therefore, it has been classified as a Variant of Uncertain Significance. Advanced modeling of protein sequence and biophysical properties (such as structural, functional, and spatial information, amino acid conservation, physicochemical variation, residue mobility, and thermodynamic stability) performed at Invitae indicates that this missense variant is not expected to disrupt CACNA1S protein function. This variant is not present in population databases (gnomAD no frequency). This sequence change replaces methionine, which is neutral and non-polar, with leucine, which is neutral and non-polar, at codon 1165 of the CACNA1S protein (p.Met1165Leu).